The following is an entry in ClinVar:

ClinVar aggregate classification (germline): Uncertain significance. Review status: criteria provided, multiple submitters, no conflicts (2 of 4 stars). 6 submissions from 6 submitters: Uncertain significance (5). 1 of the submissions does not count toward it. Last evaluated 2025-09-01.

Conditions:
Inborn genetic diseases. Identifiers: MedGen C0950123, MeSH D030342.
MHC class II deficiency. Also called: BLS, TYPE II; Bare lymphocyte syndrome 2. Identifiers: Orphanet 572, MedGen C5447452, MONDO:0008855.

Allele frequency attached by ClinVar (database versions not stated): gnomAD 0.00001 and 0.00003; ExAC 0.00002; TOPMed 0.00003; gnomAD exomes 0.00004.
gnomAD v4.1: 72 of 1,613,874 alleles (0.0045%); highest among the groups gnomAD compares: Middle Eastern, 0.78%; 3 homozygotes.

Submissions (6):

Labcorp Genetics (formerly Invitae), Labcorp
Classification: Uncertain significance for MHC class II deficiency. Last evaluated: 2025-09-01. Review status: criteria provided, single submitter. Criteria: Invitae Variant Classification Sherloc (09022015). Collection method: clinical testing. Allele origin: germline.
Comment: This sequence change replaces glutamic acid, which is acidic and polar, with lysine, which is basic and polar, at codon 1002 of the CIITA protein (p.Glu1002Lys). This variant is present in population databases (rs762687010, gnomAD 0.01%). This variant has not been reported in the literature in individuals affected with CIITA-related conditions. ClinVar contains an entry for this variant (Variation ID: 972540). An algorithm developed to predict the effect of missense changes on protein structure and function outputs the following: PolyPhen-2: "Benign". The lysine amino acid residue is found in multiple mammalian species, which suggests that this missense change does not adversely affect protein function. In summary, the available evidence is currently insufficient to determine the role of this variant in disease. Therefore, it has been classified as a Variant of Uncertain Significance.

Blueprint Genetics
Classification: Uncertain significance. Last evaluated: 2024-09-23. Review status: criteria provided, single submitter. Criteria: ACMG Guidelines, 2015. Collection method: clinical testing. Allele origin: germline.

Ambry Genetics
Classification: Uncertain significance for Inborn genetic diseases. Last evaluated: 2022-01-26. Review status: criteria provided, single submitter. Criteria: Ambry Variant Classification Scheme 2023. Collection method: clinical testing. Allele origin: germline.

Baylor Genetics
Classification: Uncertain significance for MHC class II deficiency 1. Last evaluated: 2020-01-20. Review status: criteria provided, single submitter. Criteria: ACMG Guidelines, 2015. Collection method: clinical testing. Allele origin: unknown. Affected: yes.
Comment: This variant was determined to be of uncertain significance according to ACMG Guidelines, 2015 [PMID:25741868].

Breakthrough Genomics
Classification: Uncertain significance. Review status: criteria provided, single submitter. Criteria: ACMG Guidelines, 2015. Collection method: not provided. Allele origin: germline. Inheritance: Autosomal recessive inheritance. Affected: yes.

Natera, Inc.
Classification: Uncertain significance for Bare lymphocyte syndrome type II. Last evaluated: 2020-02-26. Review status: no assertion criteria provided. Collection method: clinical testing. Allele origin: germline. Not counted in ClinVar's aggregate classification.

NM_000246.4(CIITA):c.3004G>A (p.Glu1002Lys)

Gene: CIITA (class II major histocompatibility complex transactivator; plus strand). Cytogenetic location: 16p13.13.
Variant type: single nucleotide variant.
Coding change: c.3004G>A on transcript NM_000246.4 (MANE Select); coding-DNA position 3004, G replaced by A.
Protein change: p.Glu1002Lys; replaces glutamic acid 1002 with lysine.
Molecular consequence: missense variant. On other transcripts: non-coding transcript variant (1).
Genome position (GRCh38, 1-based): chr16:10,916,401, G>A. VCF-style: chr16-10916401-G-A. GRCh37 (hg19) VCF-style: chr16-11010258-G-A.
Other names: c.3007G>A, p.Glu1003Lys (NM_001286402.1, NM_001379332.1); c.1252G>A, p.Glu418Lys (NM_001286403.2); c.2860G>A, p.Glu954Lys (NM_001379330.1); c.2857G>A, p.Glu953Lys (NM_001379331.1); c.3004G>A, p.Glu1002Lys (NM_001379333.1); c.2935G>A, p.Glu979Lys (NM_001379334.1); short protein forms E418K, E954K, E1002K, E979K, E1003K, E953K.
Identifiers: ClinVar variation 972540 (VCV000972540.13), dbSNP rs762687010, ClinGen allele CA7900620.